The following is an entry in ClinVar:

ClinVar aggregate classification (germline): Uncertain significance. Review status: criteria provided, multiple submitters, no conflicts (2 of 4 stars). 2 submissions from 2 submitters: Uncertain significance (2). Last evaluated 2022-05-10.

Conditions:
Bardet-Biedl syndrome 9 (BBS9). Identifiers: Orphanet 110, MedGen C1859567, MONDO:0014437, OMIM 615986.
Bardet-Biedl syndrome (BBS). Identifiers: Orphanet 110, MedGen C0752166, MONDO:0015229.

Allele frequency attached by ClinVar (database versions not stated): gnomAD exomes below 0.00001.
gnomAD v4.1: 2 of 1,614,190 alleles (0.00012%); highest among the groups gnomAD compares: East Asian, 0.0045%; no homozygotes.

Submissions (2):

Fulgent Genetics
Classification: Uncertain significance for Bardet-Biedl syndrome 9. Last evaluated: 2022-05-10. Review status: criteria provided, single submitter. Criteria: ACMG Guidelines, 2015. Collection method: clinical testing. Allele origin: unknown.

Labcorp Genetics (formerly Invitae), Labcorp
Classification: Uncertain significance for Bardet-Biedl syndrome. Last evaluated: 2021-08-27. Review status: criteria provided, single submitter. Criteria: Invitae Variant Classification Sherloc (09022015). Collection method: clinical testing. Allele origin: germline.
Comment: This sequence change replaces serine with asparagine at codon 729 of the BBS9 protein (p.Ser729Asn). The serine residue is highly conserved and there is a small physicochemical difference between serine and asparagine. This variant is not present in population databases (ExAC no frequency). This variant has not been reported in the literature in individuals affected with BBS9-related conditions. Algorithms developed to predict the effect of missense changes on protein structure and function are either unavailable or do not agree on the potential impact of this missense change (SIFT: "Deleterious"; PolyPhen-2: "Probably Damaging"; Align-GVGD: "Class C0"). In summary, the available evidence is currently insufficient to determine the role of this variant in disease. Therefore, it has been classified as a Variant of Uncertain Significance.

NM_198428.3(BBS9):c.2186G>A (p.Ser729Asn)

Gene: BBS9 (Bardet-Biedl syndrome 9; plus strand). Cytogenetic location: 7p14.3.
Variant type: single nucleotide variant.
Coding change: c.2186G>A on transcript NM_198428.3 (MANE Select); coding-DNA position 2186, G replaced by A.
Protein change: p.Ser729Asn; replaces serine 729 with asparagine.
Molecular consequence: missense variant. On other transcripts: non-coding transcript variant (3), intron variant (1).
Genome position (GRCh38, 1-based): chr7:33,505,533, G>A. VCF-style: chr7-33505533-G-A. GRCh37 (hg19) VCF-style: chr7-33545145-G-A.
Other names: c.1913G>A, p.Ser638Asn (NM_001348038.3); c.1808G>A, p.Ser603Asn (NM_001348039.3); c.2066G>A, p.Ser689Asn (NM_001348040.3, NM_014451.4); c.2186G>A, p.Ser729Asn (NM_001348041.4, NM_001348043.3, NM_001362679.1 and 1 more transcripts); c.2051G>A, p.Ser684Asn (NM_001348042.3); c.1715G>A, p.Ser572Asn (NM_001348044.3); c.1820G>A, p.Ser607Asn (NM_001348045.3, NM_001348046.3); c.2081G>A, p.Ser694Asn (NM_001033604.2); and 2 more; short protein forms S572N, S603N, S607N, S638N, S684N, S689N, S694N, S724N.
Identifiers: ClinVar variation 1015925 (VCV001015925.7), dbSNP rs1393453305, ClinGen allele CA367255826.